The following is an entry in ClinVar:

ClinVar aggregate classification (germline): Uncertain significance. Review status: criteria provided, multiple submitters, no conflicts (2 of 4 stars). 2 submissions from 2 submitters: Uncertain significance (2). Last evaluated 2025-08-30.

Conditions:
Cardiomyopathy (CMYO). Also called: Cardiomyopathies. Identifiers: Orphanet 167848, MedGen C0878544, MONDO:0004994, HP:0001638. Inheritance: Various modes of inheritance.

Submissions (2):

Color Diagnostics, LLC DBA Color Health
Classification: Uncertain significance for Cardiomyopathy. Last evaluated: 2025-08-30. Review status: criteria provided, single submitter. Criteria: ACMG Guidelines, 2015. Collection method: clinical testing. Allele origin: germline.
Comment: This missense variant replaces isoleucine with threonine at codon 353 of the DSG2 protein. Computational prediction suggests that this variant may not impact protein structure and function. To our knowledge, functional studies have not been reported for this variant. This variant has not been reported in individuals affected with DSG2-related disorders in the literature. This variant has not been identified in the general population by the Genome Aggregation Database (gnomAD). The available evidence is insufficient to determine the role of this variant in disease conclusively. Therefore, this variant is classified as a Variant of Uncertain Significance.

CHEO Genetics Diagnostic Laboratory, Children's Hospital of Eastern Ontario
Classification: Uncertain significance for Cardiomyopathy. Last evaluated: 2023-05-03. Review status: criteria provided, single submitter. Criteria: ACMG Guidelines, 2015. Collection method: clinical testing. Allele origin: germline.

NM_001943.5(DSG2):c.1058T>C (p.Ile353Thr)

Gene: DSG2 (desmoglein 2; plus strand). Cytogenetic location: 18q12.1.
Variant type: single nucleotide variant.
Coding change: c.1058T>C on transcript NM_001943.5 (MANE Select); coding-DNA position 1058, T replaced by C.
Protein change: p.Ile353Thr; replaces isoleucine 353 with threonine.
Molecular consequence: missense variant.
Genome position (GRCh38, 1-based): chr18:31,531,030, T>C. VCF-style: chr18-31531030-T-C. GRCh37 (hg19) VCF-style: chr18-29110993-T-C.
Other names: short protein forms I353T.
Identifiers: ClinVar variation 2691164 (VCV002691164.2), dbSNP rs2510915274, ClinGen allele CA402138201.